The following is an entry in ClinVar:

ClinVar aggregate classification (germline): Uncertain significance (1 of 4 stars; one submission).

Conditions:
Hereditary spastic paraplegia 75. Also called: Spastic paraplegia 75, autosomal recessive. Identifiers: Orphanet 459056, MedGen C4225250, MONDO:0014729, OMIM 616680.

Allele frequency attached by ClinVar (database versions not stated): TOPMed 0.00001; gnomAD 0.00003; gnomAD exomes 0.00007; 1000 Genomes Project 30x 0.00016; ExAC 0.00019; 1000 Genomes Project 0.00020.
gnomAD v4.1: 98 of 1,608,638 alleles (0.0061%); highest among the groups gnomAD compares: South Asian, 0.088%; 1 homozygote.

Submission:

Labcorp Genetics (formerly Invitae), Labcorp
Classification: Uncertain significance for Hereditary spastic paraplegia 75. Last evaluated: 2021-12-12. Review status: criteria provided, single submitter. Criteria: Invitae Variant Classification Sherloc (09022015). Collection method: clinical testing. Allele origin: germline.
Comment: This sequence change replaces glutamic acid, which is acidic and polar, with aspartic acid, which is acidic and polar, at codon 171 of the MAG protein (p.Glu171Asp). This variant is present in population databases (rs200640485, gnomAD 0.09%). This variant has not been reported in the literature in individuals affected with MAG-related conditions. Algorithms developed to predict the effect of missense changes on protein structure and function (SIFT, PolyPhen-2, Align-GVGD) all suggest that this variant is likely to be tolerated. In summary, the available evidence is currently insufficient to determine the role of this variant in disease. Therefore, it has been classified as a Variant of Uncertain Significance.

NM_002361.4(MAG):c.513G>T (p.Glu171Asp)

Gene: MAG (myelin associated glycoprotein; plus strand). Cytogenetic location: 19q13.12.
Variant type: single nucleotide variant.
Coding change: c.513G>T on transcript NM_002361.4 (MANE Select); coding-DNA position 513, G replaced by T.
Protein change: p.Glu171Asp; replaces glutamic acid 171 with aspartic acid.
Molecular consequence: missense variant.
Genome position (GRCh38, 1-based): chr19:35,299,651, G>T. VCF-style: chr19-35299651-G-T. GRCh37 (hg19) VCF-style: chr19-35790554-G-T.
Other names: c.438G>T, p.Glu146Asp (NM_001199216.2); c.513G>T, p.Glu171Asp (NM_080600.3); short protein forms E146D, E171D.
Identifiers: ClinVar variation 2098622 (VCV002098622.1), dbSNP rs200640485, ClinGen allele CA9376043.